The following is an entry in ClinVar:

NM_001111.5(ADAR):c.3460T>C (p.Ser1154Pro)

Gene: ADAR (adenosine deaminase RNA specific; minus strand). Cytogenetic location: 1q21.3.
Variant type: single nucleotide variant.
Coding change: c.3460T>C on transcript NM_001111.5 (MANE Select); coding-DNA position 3460, T replaced by C.
Protein change: p.Ser1154Pro; replaces serine 1154 with proline.
Molecular consequence: missense variant.
Genome position (GRCh38, 1-based): chr1:154,585,027, A>G on the plus strand (T>C on the coding strand, the complement: ADAR is on the minus strand). VCF-style: chr1-154585027-A-G. GRCh37 (hg19) VCF-style: chr1-154557503-A-G.
Other names: c.2575T>C, p.Ser859Pro (NM_001025107.3, NM_001193495.2, NM_001365046.1 and 2 more transcripts); c.3487T>C, p.Ser1163Pro (NM_001365045.1); c.2497T>C, p.Ser833Pro (NM_001365049.1); c.3382T>C, p.Ser1128Pro (NM_015840.4); c.3325T>C, p.Ser1109Pro (NM_015841.4); short protein forms S833P, S1128P, S1154P, S859P, S1109P, S1163P.
Identifiers: ClinVar variation 1403581 (VCV001403581.7), dbSNP rs887707722, ClinGen allele CA30848697.

ClinVar aggregate classification (germline): Uncertain significance. Review status: criteria provided, multiple submitters, no conflicts (2 of 4 stars). 2 submissions from 2 submitters: Uncertain significance (2). Last evaluated 2025-12-25.

Conditions:
Symmetrical dyschromatosis of extremities (DSH). Also called: SYMMETRIC DYSCHROMATOSIS OF THE EXTREMITIES; Dyschromatosis symmetrica hereditaria; DYSCHROMATOSIS SYMMETRICA HEREDITARIA 1; RETICULATE ACROPIGMENTATION OF DOHI. Identifiers: Orphanet 41, MedGen C0406775, MONDO:0007483, OMIM 127400.
Aicardi-Goutieres syndrome 6 (AGS6). Identifiers: Orphanet 51, MedGen C3539013, MONDO:0014007, OMIM 615010.

Allele frequency attached by ClinVar (database versions not stated): gnomAD 0.00001; gnomAD exomes 0.00001; TOPMed 0.00001.
gnomAD v4.1: 21 of 1,613,860 alleles (0.0013%); highest among the groups gnomAD compares: Middle Eastern, 0.016%; no homozygotes.

Submissions (2):

Labcorp Genetics (formerly Invitae), Labcorp
Classification: Uncertain significance for Aicardi-Goutieres syndrome 6; Symmetrical dyschromatosis of extremities. Last evaluated: 2025-12-25. Review status: criteria provided, single submitter. Criteria: Invitae Variant Classification Sherloc (09022015). Collection method: clinical testing. Allele origin: germline.
Comment: This sequence change replaces serine, which is neutral and polar, with proline, which is neutral and non-polar, at codon 1154 of the ADAR protein (p.Ser1154Pro). This variant is not present in population databases (gnomAD no frequency). This variant has not been reported in the literature in individuals affected with ADAR-related conditions. ClinVar contains an entry for this variant (Variation ID: 1403581). Invitae Evidence Modeling of protein sequence and biophysical properties (such as structural, functional, and spatial information, amino acid conservation, physicochemical variation, residue mobility, and thermodynamic stability) indicates that this missense variant is not expected to disrupt ADAR protein function with a negative predictive value of 80%. In summary, the available evidence is currently insufficient to determine the role of this variant in disease. Therefore, it has been classified as a Variant of Uncertain Significance.

Blueprint Genetics
Classification: Uncertain significance. Last evaluated: 2024-09-03. Review status: criteria provided, single submitter. Criteria: ACMG Guidelines, 2015. Collection method: clinical testing. Allele origin: germline.